The following is an entry in ClinVar:

NM_018451.5(CPAP):c.3673del (p.Glu1225fs)

Genes: RNF17 (ring finger protein 17; plus strand), CPAP (centrosome assembly and centriole elongation protein; minus strand). Cytogenetic location: 13q12.12.
Variant type: Deletion.
Coding change: c.3673del on transcript NM_018451.5 (MANE Select); coding-DNA position 3673, one base deleted (G; older notation c.3673delG).
Protein change: p.Glu1225fs; shifts the reading frame from glutamic acid 1225.
Molecular consequence: frameshift variant. On other transcripts: non-coding transcript variant (2).
Genome position (GRCh38, 1-based): chr13:24,884,191, C deleted on the plus strand (G on the coding strand, the reverse complement: CPAP is on the minus strand); the first of 2 consecutive C bases (chr13:24,884,191-24,884,192); deleting either gives the same sequence. VCF-style (leftmost placement, unchanged base first): chr13-24884190-TC-T. GRCh37 (hg19) VCF-style: chr13-25458328-TC-T.
Other names: short protein forms E1225fs.
Identifiers: ClinVar variation 1975927 (VCV001975927.7), dbSNP rs1283083598, ClinGen allele CA608986535.
Genomic context (GRCh38, chr13:24,884,190, plus strand): 5'-AATTTAATGAGAGGGTGGAGCAAGTTTGTACCTATTTGTCCACTTGAGAAATGTAAGACT[TC>T]CAGTCCCTCCGGGTATGTCGTGTGAGTGGTCTGGGCAGCTGCATAGTAGTAGATCTGTAA-3'

ClinVar aggregate classification (germline): Pathogenic/Likely pathogenic. Review status: criteria provided, multiple submitters, no conflicts (2 of 4 stars). 2 submissions from 2 submitters: Pathogenic (1); Likely pathogenic (1). Last evaluated 2024-07-12.

Conditions:
Microcephaly 6, primary, autosomal recessive. Identifiers: Orphanet 2512, MedGen C1842109, MONDO:0012029, OMIM 608393.
Seckel syndrome 4 (SCKL4). Identifiers: Orphanet 808, MedGen C3888212, MONDO:0013358, OMIM 613676.

Submissions (2):

Institute of Human Genetics, Heidelberg University
Classification: Likely pathogenic for Microcephaly 6, primary, autosomal recessive; Seckel syndrome 4. Last evaluated: 2024-07-12. Review status: criteria provided, single submitter. Criteria: ACMG Guidelines, 2015. Collection method: clinical testing. Allele origin: paternal. Affected: yes.

Labcorp Genetics (formerly Invitae), Labcorp
Classification: Pathogenic. Last evaluated: 2024-04-29. Review status: criteria provided, single submitter. Criteria: Invitae Variant Classification Sherloc (09022015). Collection method: clinical testing. Allele origin: germline.
Comment: This sequence change creates a premature translational stop signal (p.Glu1225Lysfs*10) in the CENPJ gene. It is expected to result in an absent or disrupted protein product. Loss-of-function variants in CENPJ are known to be pathogenic (PMID: 15793586, 16900296, 20522431). This variant is present in population databases (no rsID available, gnomAD 0.003%). This variant has not been reported in the literature in individuals affected with CENPJ-related conditions. ClinVar contains an entry for this variant (Variation ID: 1975927). For these reasons, this variant has been classified as Pathogenic.

Literature cited by the submitters: PubMed 15793586 (cited by Labcorp Genetics (formerly Invitae), Labcorp); PubMed 16900296 (cited by Labcorp Genetics (formerly Invitae), Labcorp); PubMed 20522431 (cited by Labcorp Genetics (formerly Invitae), Labcorp).